The following is an entry in ClinVar:

NM_020937.4(FANCM):c.3499A>G (p.Ile1167Val)

Gene: FANCM (FA complementation group M; plus strand). Cytogenetic location: 14q21.2.
Variant type: single nucleotide variant.
Coding change: c.3499A>G on transcript NM_020937.4 (MANE Select); coding-DNA position 3499, A replaced by G.
Protein change: p.Ile1167Val; replaces isoleucine 1167 with valine.
Molecular consequence: missense variant.
Genome position (GRCh38, 1-based): chr14:45,176,253, A>G. VCF-style: chr14-45176253-A-G. GRCh37 (hg19) VCF-style: chr14-45645456-A-G.
Other names: c.3421A>G, p.Ile1141Val (NM_001308133.2); c.3499A>G (NM_020937.3, LRG_502t1); short protein forms I1167V, I1141V.
Identifiers: ClinVar variation 646753 (VCV000646753.14), dbSNP rs573485502, ClinGen allele CA7169519.

ClinVar aggregate classification (germline): Uncertain significance. Review status: criteria provided, multiple submitters, no conflicts (2 of 4 stars). 4 submissions from 4 submitters: Uncertain significance (4). Last evaluated 2025-05-08.

Conditions:
FANCM-related disorder. Also called: FANCM-related condition.
Spermatogenic failure 28. Identifiers: MedGen C4748117, MONDO:0054732, OMIM 618086.
Premature ovarian failure 15. Identifiers: MedGen C4748170, MONDO:0054862, OMIM 618096.
Fanconi anemia (FA). Also called: Fanconi's anemia. Identifiers: Orphanet 84, MedGen C0015625, MeSH D005199, MONDO:0019391.

Allele frequency attached by ClinVar (database versions not stated): gnomAD exomes 0.00001; ExAC 0.00002; TOPMed 0.00005; gnomAD 0.00006 and 0.00007; 1000 Genomes Project 30x 0.00016; 1000 Genomes Project 0.00020.
gnomAD v4.1: 19 of 1,614,044 alleles (0.0012%); highest among the groups gnomAD compares: African/African-American, 0.023%; no homozygotes.

Submissions (4):

GeneDx
Classification: Uncertain significance. Last evaluated: 2025-05-08. Review status: criteria provided, single submitter. Criteria: GeneDx Variant Classification Process June 2021. Collection method: clinical testing. Allele origin: germline. Affected: yes.
Comment: In silico analysis suggests that this missense variant does not alter protein structure/function; Has not been previously published as pathogenic or benign to our knowledge

Labcorp Genetics (formerly Invitae), Labcorp
Classification: Uncertain significance for Fanconi anemia. Last evaluated: 2025-04-24. Review status: criteria provided, single submitter. Criteria: Invitae Variant Classification Sherloc (09022015). Collection method: clinical testing. Allele origin: germline.
Comment: This sequence change replaces isoleucine, which is neutral and non-polar, with valine, which is neutral and non-polar, at codon 1167 of the FANCM protein (p.Ile1167Val). This variant is present in population databases (rs573485502, gnomAD 0.02%). This variant has not been reported in the literature in individuals affected with FANCM-related conditions. ClinVar contains an entry for this variant (Variation ID: 646753). An algorithm developed to predict the effect of missense changes on protein structure and function outputs the following: PolyPhen-2: "Benign". The valine amino acid residue is found in multiple mammalian species, which suggests that this missense change does not adversely affect protein function. In summary, the available evidence is currently insufficient to determine the role of this variant in disease. Therefore, it has been classified as a Variant of Uncertain Significance.

PreventionGenetics, part of Exact Sciences
Classification: Uncertain significance for FANCM-related condition. Last evaluated: 2022-09-30. Review status: criteria provided, single submitter. Criteria: ACMG Guidelines, 2015. Collection method: clinical testing. Allele origin: germline.
Comment: The FANCM c.3499A>G variant is predicted to result in the amino acid substitution p.Ile1167Val. To our knowledge, this variant has not been reported in the literature. This variant is reported in 0.024% of alleles in individuals of African descent in gnomAD. In the ClinVar database, this variant has been listed as 'uncertain' by outside laboratories. At this time, the clinical significance of this variant is uncertain due to the absence of conclusive functional and genetic evidence.

Fulgent Genetics
Classification: Uncertain significance for Spermatogenic failure 28; Premature ovarian failure 15. Last evaluated: 2021-11-18. Review status: criteria provided, single submitter. Criteria: ACMG Guidelines, 2015. Collection method: clinical testing. Allele origin: unknown.